The following is an entry in ClinVar:

ClinVar aggregate classification (germline): Uncertain significance (1 of 4 stars; one submission).

Allele frequency attached by ClinVar (database versions not stated): gnomAD exomes below 0.00001; TOPMed below 0.00001.
gnomAD v4.1: 1 of 1,613,916 alleles (0.000062%); highest among the groups gnomAD compares: Non-Finnish European, 0.000085%; no homozygotes.

Submission:

Labcorp Genetics (formerly Invitae), Labcorp
Classification: Uncertain significance. Last evaluated: 2022-04-28. Review status: criteria provided, single submitter. Criteria: Invitae Variant Classification Sherloc (09022015). Collection method: clinical testing. Allele origin: germline.
Comment: In summary, the available evidence is currently insufficient to determine the role of this variant in disease. Therefore, it has been classified as a Variant of Uncertain Significance. Algorithms developed to predict the effect of missense changes on protein structure and function output the following: SIFT: "Tolerated"; PolyPhen-2: "Benign"; Align-GVGD: "Class C0". The arginine amino acid residue is found in multiple mammalian species, which suggests that this missense change does not adversely affect protein function. This variant has not been reported in the literature in individuals affected with POP1-related conditions. This variant is not present in population databases (gnomAD no frequency). This sequence change replaces lysine, which is basic and polar, with arginine, which is basic and polar, at codon 5 of the POP1 protein (p.Lys5Arg).

NM_001145860.2(POP1):c.14A>G (p.Lys5Arg)

Gene: POP1 (POP1 ribonuclease P/MRP subunit; plus strand). Cytogenetic location: 8q22.2.
Variant type: single nucleotide variant.
Coding change: c.14A>G on transcript NM_001145860.2 (MANE Select); coding-DNA position 14, A replaced by G.
Protein change: p.Lys5Arg; replaces lysine 5 with arginine.
Molecular consequence: missense variant.
Genome position (GRCh38, 1-based): chr8:98,123,351, A>G. VCF-style: chr8-98123351-A-G. GRCh37 (hg19) VCF-style: chr8-99135579-A-G.
Other names: c.14A>G, p.Lys5Arg (NM_001145861.2, NM_015029.3); short protein forms K5R.
Identifiers: ClinVar variation 1982737 (VCV001982737.4), dbSNP rs1051371484, ClinGen allele CA182317390.
Genomic context (GRCh38, chr8:98,123,351, plus strand): 5'-TGGAAGTTTCCTTTCCCTGTATTAAATGTATTACTTCCTTTCCAGAAATGTCAAATGCAA[A>G]AGAAAGAAAACACGCCAAGAAAATGAGAAACCAGCCTACCAATGTGACTCTGTCCTCTGG-3'
Protein context (NP_001139332.1, residues 1-15): MSNA[Lys5Arg]ERKHAKKMRN